The following is an entry in ClinVar:

ClinVar aggregate classification (germline): Benign/Likely benign. Review status: criteria provided, multiple submitters, no conflicts (2 of 4 stars). 5 submissions from 5 submitters: Benign (1); Likely benign (2). 2 of the submissions do not count toward it. Last evaluated 2025-06-01.

Conditions:
ARID2-related disorder. Also called: ARID2-related condition.

Allele frequency attached by ClinVar (database versions not stated): gnomAD 0.00019 and 0.00027; TOPMed 0.00026; ExAC 0.00036; gnomAD exomes 0.00041 and 0.00043; 1000 Genomes Project 30x 0.00141; 1000 Genomes Project 0.00160.

Submissions (5):

CeGaT Center for Human Genetics Tuebingen
Classification: Likely benign. Last evaluated: 2025-06-01. Review status: criteria provided, single submitter. Criteria: CeGaT Center For Human Genetics Tuebingen Variant Classification Criteria Version 2. Collection method: clinical testing. Allele origin: germline. Affected: yes. Observed: 1 variant allele.
Comment: ARID2: BP4, BS1

Blueprint Genetics
Classification: Likely benign. Last evaluated: 2024-09-18. Review status: criteria provided, single submitter. Criteria: ACMG Guidelines, 2015. Collection method: clinical testing. Allele origin: germline.

Labcorp Genetics (formerly Invitae), Labcorp
Classification: Benign. Last evaluated: 2018-12-10. Review status: criteria provided, single submitter. Criteria: Invitae Variant Classification Sherloc (09022015). Collection method: clinical testing. Allele origin: germline.

PreventionGenetics, part of Exact Sciences
Classification: Likely benign for ARID2-related condition. Last evaluated: 2019-02-22. Review status: no assertion criteria provided. Collection method: clinical testing. Allele origin: germline. Not counted in ClinVar's aggregate classification.
Comment: This variant is classified as likely benign based on ACMG/AMP sequence variant interpretation guidelines (Richards et al. 2015 PMID: 25741868, with internal and published modifications).

ITMI
No classification provided. Condition: AllHighlyPenetrant. Last evaluated: 2013-09-19. Review status: no classification provided. Collection method: reference population. Allele origin: germline. Not counted in ClinVar's aggregate classification.
Comment: Please see associated publication for description of ethnicities

Literature cited by the submitters: PubMed 24728327 (cited by ITMI).

NM_152641.4(ARID2):c.2428G>C (p.Ala810Pro)

Gene: ARID2 (AT-rich interaction domain 2; plus strand). Cytogenetic location: 12q12.
Variant type: single nucleotide variant.
Coding change: c.2428G>C on transcript NM_152641.4 (MANE Select); coding-DNA position 2428, G replaced by C.
Protein change: p.Ala810Pro; replaces alanine 810 with proline.
Molecular consequence: missense variant.
Genome position (GRCh38, 1-based): chr12:45,850,551, G>C. VCF-style: chr12-45850551-G-C. GRCh37 (hg19) VCF-style: chr12-46244334-G-C.
Other names: c.2428G>C, p.Ala810Pro (NM_001347839.2); c.2428G>C (NM_152641.3); short protein forms A810P.
Identifiers: ClinVar variation 133566 (VCV000133566.15), dbSNP rs74916892, ClinGen allele CA156960.